The following is an entry in ClinVar:

ClinVar aggregate classification (germline): Likely pathogenic (1 of 4 stars; one submission).

Allele frequency attached by ClinVar (database versions not stated): ExAC 0.00001; TOPMed 0.00002; gnomAD 0.00003; gnomAD exomes 0.00003.
gnomAD v4.1: 51 of 1,612,500 alleles (0.0032%); highest among the groups gnomAD compares: Non-Finnish European, 0.0042%; no homozygotes.

Submission:

Labcorp Genetics (formerly Invitae), Labcorp
Classification: Likely pathogenic. Last evaluated: 2024-12-09. Review status: criteria provided, single submitter. Criteria: Invitae Variant Classification Sherloc (09022015). Collection method: clinical testing. Allele origin: germline.
Comment: This sequence change affects an acceptor splice site in intron 19 of the VARS2 gene. It is expected to disrupt RNA splicing. Variants that disrupt the donor or acceptor splice site typically lead to a loss of protein function (PMID: 16199547), and loss-of-function variants in VARS2 are known to be pathogenic (PMID: 29313548). This variant is present in population databases (rs773675647, gnomAD 0.003%). This variant has not been reported in the literature in individuals affected with VARS2-related conditions. ClinVar contains an entry for this variant (Variation ID: 2901124). Algorithms developed to predict the effect of sequence changes on RNA splicing suggest that this variant may disrupt the consensus splice site. In summary, the currently available evidence indicates that the variant is pathogenic, but additional data are needed to prove that conclusively. Therefore, this variant has been classified as Likely Pathogenic.

Literature cited by the submitters: PubMed 16199547; PubMed 29313548.

NM_020442.6(VARS2):c.1807-1G>A

Genes: VARS2 (valyl-tRNA synthetase 2, mitochondrial; plus strand), LOC126859646 (MED14-independent group 3 enhancer GRCh37_chr6:30889690-30890889; plus strand). Cytogenetic location: 6p21.33.
Variant type: single nucleotide variant.
Coding change: c.1807-1G>A on transcript NM_020442.6 (MANE Select); the canonical splice acceptor site of the intron before coding-DNA position 1807, G replaced by A.
Molecular consequence: splice acceptor variant.
Genome position (GRCh38, 1-based): chr6:30,922,115, G>A. VCF-style: chr6-30922115-G-A. GRCh37 (hg19) VCF-style: chr6-30889892-G-A.
Other names: c.1897-1G>A (NM_001167734.2); c.1387-1G>A (NM_001167733.3).
Identifiers: ClinVar variation 2901124 (VCV002901124.3), dbSNP rs773675647, ClinGen allele CA3706059.